The following is an entry in ClinVar:

ClinVar aggregate classification (germline): Uncertain significance (1 of 4 stars; one submission).

Submission:

CeGaT Center for Human Genetics Tuebingen
Classification: Uncertain significance. Last evaluated: 2023-11-01. Review status: criteria provided, single submitter. Criteria: CeGaT Center For Human Genetics Tuebingen Variant Classification Criteria Version 2. Collection method: clinical testing. Allele origin: germline. Affected: yes. Observed: 1 variant allele.
Comment: FOXP1: PM2

NM_001349338.3(FOXP1):c.1106T>C (p.Leu369Pro)

Gene: FOXP1 (forkhead box P1; minus strand). Cytogenetic location: 3p13.
Variant type: single nucleotide variant.
Coding change: c.1106T>C on transcript NM_001349338.3 (MANE Select); coding-DNA position 1106, T replaced by C.
Protein change: p.Leu369Pro; replaces leucine 369 with proline.
Molecular consequence: missense variant. On other transcripts: non-coding transcript variant (2).
Genome position (GRCh38, 1-based): chr3:70,988,034, A>G on the plus strand (T>C on the coding strand, the complement: FOXP1 is on the minus strand). VCF-style: chr3-70988034-A-G. GRCh37 (hg19) VCF-style: chr3-71037185-A-G.
Other names: c.1106T>C, p.Leu369Pro (NM_001244808.3, NM_001244810.2, NM_001244814.3 and 4 more transcripts); c.878T>C, p.Leu293Pro (NM_001244812.3); c.806T>C, p.Leu269Pro (NM_001244813.3, NM_001244815.2, NM_001349342.3 and 1 more transcripts); c.803T>C, p.Leu268Pro (NM_001349337.2, NM_001349343.3, NM_001349344.3); c.1103T>C, p.Leu368Pro (NM_001349341.3); short protein forms L268P, L269P, L293P, L368P, L369P.
Identifiers: ClinVar variation 2672943 (VCV002672943.23), dbSNP rs2107493968, ClinGen allele CA353494670.